The following is an entry in ClinVar:

ClinVar aggregate classification (germline): Benign/Likely benign. Review status: criteria provided, multiple submitters, no conflicts (2 of 4 stars). 3 submissions from 3 submitters: Benign (2); Likely benign (1). Last evaluated 2023-12-01.

Allele frequency attached by ClinVar (database versions not stated): 1000 Genomes Project 0.00260; 1000 Genomes Project 30x 0.00312; gnomAD 0.00315; TOPMed 0.00362; ESP Exome Variant Server 0.00484; gnomAD exomes 0.00609.
gnomAD v4.1: 9,465 of 1,614,056 alleles (0.59%); highest among the groups gnomAD compares: Non-Finnish European, 0.74%; 50 homozygotes.

Submissions (3):

CeGaT Center for Human Genetics Tuebingen
Classification: Likely benign. Last evaluated: 2023-12-01. Review status: criteria provided, single submitter. Criteria: CeGaT Center For Human Genetics Tuebingen Variant Classification Criteria Version 2. Collection method: clinical testing. Allele origin: germline. Affected: yes. Observed: 1 variant allele.
Comment: KLK1: BP4, BP7, BS2

Labcorp Genetics (formerly Invitae), Labcorp
Classification: Benign. Last evaluated: 2019-12-31. Review status: criteria provided, single submitter. Criteria: Invitae Variant Classification Sherloc (09022015). Collection method: clinical testing. Allele origin: germline.

Breakthrough Genomics
Classification: Benign. Review status: criteria provided, single submitter. Criteria: ACMG Guidelines, 2015. Collection method: not provided. Allele origin: germline. Inheritance: Unknown mechanism. Affected: yes.

NM_002257.4(KLK1):c.567C>T (p.His189=)

Gene: KLK1 (kallikrein 1; minus strand). Cytogenetic location: 19q13.33.
Variant type: single nucleotide variant.
Coding change: c.567C>T on transcript NM_002257.4 (MANE Select); coding-DNA position 567, C replaced by T.
Protein change: p.His189=; no amino-acid change (histidine 189 retained).
Molecular consequence: synonymous variant.
Genome position (GRCh38, 1-based): chr19:50,819,965, G>A on the plus strand (C>T on the coding strand, the complement: KLK1 is on the minus strand). VCF-style: chr19-50819965-G-A. GRCh37 (hg19) VCF-style: chr19-51323221-G-A.
Identifiers: ClinVar variation 708033 (VCV000708033.27), dbSNP rs3212857, ClinGen allele CA9603719.